The following is an entry in ClinVar:

ClinVar aggregate classification (germline): Benign/Likely benign. Review status: criteria provided, multiple submitters, no conflicts (2 of 4 stars). 2 submissions from 2 submitters: Benign (1); Likely benign (1). Last evaluated 2019-06-18.

Allele frequency attached by ClinVar (database versions not stated): ESP Exome Variant Server 0.00327; gnomAD 0.01437; TOPMed 0.01604; ExAC 0.02160; 1000 Genomes Project 30x 0.04091; 1000 Genomes Project 0.04253.

Submissions (3):

GeneDx
Classification: Benign. Last evaluated: 2019-06-18. Review status: criteria provided, single submitter. Criteria: GeneDx Variant Classification Process June 2021. Collection method: clinical testing. Allele origin: germline. Affected: yes.

Breakthrough Genomics
Classification: Likely benign. Review status: criteria provided, single submitter. Criteria: ACMG Guidelines, 2015. Collection method: not provided. Allele origin: germline. Inheritance: Autosomal recessive inheritance. Affected: yes.

Seelig Lab, University of Washington
No classification provided (evidence only). Review status: no classification provided. Collection method: in vitro. Allele origin: not applicable. Functional consequence: effect on translation. Not counted in ClinVar's aggregate classification.
ClinVar note: "not provided" was previously submitted as the classification for the variant. However, the classification appeared to be based only on an observation of functional data so it was converted to no classification on 2025-07-30.

NC_000020.11:g.45891283G>T

Gene: CTSA (cathepsin A; plus strand). Cytogenetic location: 20q13.12.
Variant type: single nucleotide variant.
Genome position: GRCh38 VCF-style: chr20-45891283-G-T. GRCh37 (hg19) VCF-style: chr20-44519922-G-T.
Identifiers: ClinVar variation 338522 (VCV000338522.10), dbSNP rs116893852, ClinGen allele CA9882862.